The following is an entry in ClinVar:

ClinVar aggregate classification (germline): Uncertain significance (1 of 4 stars; one submission).

Conditions:
Progressive sclerosing poliodystrophy (MTDPS4A). Also called: Mitochondrial DNA depletion syndrome 4A (Alpers type); ALPERS PROGRESSIVE INFANTILE POLIODYSTROPHY; NEURONAL DEGENERATION OF CHILDHOOD WITH LIVER DISEASE, PROGRESSIVE; Alpers Syndrome; ALPERS DIFFUSE DEGENERATION OF CEREBRAL GRAY MATTER WITH HEPATIC CIRRHOSIS; Alpers-Huttenlocher Syndrome. Identifiers: Orphanet 726, MedGen C0205710, MONDO:0008758, OMIM 203700.

Submission:

Labcorp Genetics (formerly Invitae), Labcorp
Classification: Uncertain significance for Progressive sclerosing poliodystrophy. Last evaluated: 2022-07-23. Review status: criteria provided, single submitter. Criteria: Invitae Variant Classification Sherloc (09022015). Collection method: clinical testing. Allele origin: germline.
Comment: In summary, the available evidence is currently insufficient to determine the role of this variant in disease. Therefore, it has been classified as a Variant of Uncertain Significance. Algorithms developed to predict the effect of missense changes on protein structure and function (SIFT, PolyPhen-2, Align-GVGD) all suggest that this variant is likely to be tolerated. This variant has not been reported in the literature in individuals affected with POLG-related conditions. This variant is not present in population databases (gnomAD no frequency). This sequence change replaces proline, which is neutral and non-polar, with arginine, which is basic and polar, at codon 373 of the POLG protein (p.Pro373Arg).

NM_002693.3(POLG):c.1118C>G (p.Pro373Arg)

Gene: POLG (DNA polymerase gamma, catalytic subunit; minus strand). Cytogenetic location: 15q26.1.
Variant type: single nucleotide variant.
Coding change: c.1118C>G on transcript NM_002693.3 (MANE Select); coding-DNA position 1118, C replaced by G.
Protein change: p.Pro373Arg; replaces proline 373 with arginine.
Molecular consequence: missense variant.
Genome position (GRCh38, 1-based): chr15:89,328,737, G>C on the plus strand (C>G on the coding strand, the complement: POLG is on the minus strand). VCF-style: chr15-89328737-G-C. GRCh37 (hg19) VCF-style: chr15-89871968-G-C.
Other names: c.1118C>G, p.Pro373Arg (NM_001126131.2); short protein forms P373R.
Identifiers: ClinVar variation 2188576 (VCV002188576.4), dbSNP rs796052917, ClinGen allele CA393764839.
Genomic context (GRCh38, chr15:89,328,737, plus strand): 5'-CACCATACCTGGAAGTTCTCACGAATGTCCTTCATGGTGCCCTTCACAAACAGTTCTCGA[G>C]GCTCCTTCTCTAAGGGAGGCCCCCCTACATAAAGTCTGTGCACCTCTGCCAGACTGTTGA-3'
Protein context (NP_002684.1, residues 363-383): YVGGPPLEKE[Pro373Arg]RELFVKGTMK